The following is an entry in ClinVar:

ClinVar aggregate classification (germline): Likely benign. Review status: criteria provided, single submitter (1 of 4 stars). 2 submissions from 2 submitters: Likely benign (1). 1 of the submissions does not count toward it. Last evaluated 2026-01-13.

Conditions:
ERCC6-related disorder. Also called: ERCC6-related disorders; ERCC6-related condition. Identifiers: MedGen CN239385.

Allele frequency attached by ClinVar (database versions not stated): gnomAD exomes 0.00001 and 0.00004; ExAC 0.00007; gnomAD 0.00011 and 0.00012; TOPMed 0.00026; 1000 Genomes Project 30x 0.00031; ESP Exome Variant Server 0.00031; 1000 Genomes Project 0.00040.
gnomAD v4.1: 41 of 1,614,016 alleles (0.0025%); highest among the groups gnomAD compares: African/African-American, 0.044%; no homozygotes.

Submissions (2):

Labcorp Genetics (formerly Invitae), Labcorp
Classification: Likely benign. Last evaluated: 2026-01-13. Review status: criteria provided, single submitter. Criteria: Invitae Variant Classification Sherloc (09022015). Collection method: clinical testing. Allele origin: germline.

PreventionGenetics, part of Exact Sciences
Classification: Likely benign for ERCC6-related condition. Last evaluated: 2024-01-25. Review status: no assertion criteria provided. Collection method: clinical testing. Allele origin: germline. Not counted in ClinVar's aggregate classification.
Comment: This variant is classified as likely benign based on ACMG/AMP sequence variant interpretation guidelines (Richards et al. 2015 PMID: 25741868, with internal and published modifications).

NM_000124.4(ERCC6):c.1575G>A (p.Gln525=)

Gene: ERCC6 (ERCC excision repair 6, chromatin remodeling factor; minus strand). Cytogenetic location: 10q11.23.
Variant type: single nucleotide variant.
Coding change: c.1575G>A on transcript NM_000124.4 (MANE Select); coding-DNA position 1575, G replaced by A.
Protein change: p.Gln525=; no amino-acid change (glutamine 525 retained).
Molecular consequence: synonymous variant.
Genome position (GRCh38, 1-based): chr10:49,500,648, C>T on the plus strand (G>A on the coding strand, the complement: ERCC6 is on the minus strand). VCF-style: chr10-49500648-C-T. GRCh37 (hg19) VCF-style: chr10-50708694-C-T.
Other names: c.1575G>A, p.Gln525= (NM_001346440.2).
Identifiers: ClinVar variation 726879 (VCV000726879.11), dbSNP rs36032377, ClinGen allele CA5495928.